The following is an entry in ClinVar:

ClinVar aggregate classification (germline): Likely benign. Review status: criteria provided, multiple submitters, no conflicts (2 of 4 stars). 3 submissions from 3 submitters: Likely benign (2). 1 of the submissions does not count toward it. Last evaluated 2025-09-28.

Conditions:
CREBBP-related disorder. Also called: CREBBP-related disorders; CREBBP-related condition.
Rubinstein-Taybi syndrome (RSTS). Identifiers: Orphanet 783, MedGen C0035934, MONDO:0019188.

Allele frequency attached by ClinVar (database versions not stated): ExAC 0.00001.
gnomAD v4.1: 8 of 1,613,534 alleles (0.0005%); highest among the groups gnomAD compares: Admixed American, 0.0017%; no homozygotes.

Submissions (3):

Labcorp Genetics (formerly Invitae), Labcorp
Classification: Likely benign for Rubinstein-Taybi syndrome. Last evaluated: 2025-09-28. Review status: criteria provided, single submitter. Criteria: Invitae Variant Classification Sherloc (09022015). Collection method: clinical testing. Allele origin: germline.

Blueprint Genetics
Classification: Likely benign. Last evaluated: 2022-07-25. Review status: criteria provided, single submitter. Criteria: ACMG Guidelines, 2015. Collection method: clinical testing. Allele origin: germline.

PreventionGenetics, part of Exact Sciences
Classification: Likely benign for CREBBP-related condition. Last evaluated: 2021-12-22. Review status: no assertion criteria provided. Collection method: clinical testing. Allele origin: germline. Not counted in ClinVar's aggregate classification.
Comment: This variant is classified as likely benign based on ACMG/AMP sequence variant interpretation guidelines (Richards et al. 2015 PMID: 25741868, with internal and published modifications).

NM_004380.3(CREBBP):c.7164A>G (p.Ala2388=)

Gene: CREBBP (CREB binding lysine acetyltransferase; minus strand). Cytogenetic location: 16p13.3.
Variant type: single nucleotide variant.
Coding change: c.7164A>G on transcript NM_004380.3 (MANE Select); coding-DNA position 7164, A replaced by G.
Protein change: p.Ala2388=; no amino-acid change (alanine 2388 retained).
Molecular consequence: synonymous variant.
Genome position (GRCh38, 1-based): chr16:3,727,883, T>C on the plus strand (A>G on the coding strand, the complement: CREBBP is on the minus strand). VCF-style: chr16-3727883-T-C. GRCh37 (hg19) VCF-style: chr16-3777884-T-C.
Other names: c.7050A>G, p.Ala2350= (NM_001079846.1).
Identifiers: ClinVar variation 3029835 (VCV003029835.4), dbSNP rs752626859, ClinGen allele CA7868941.